The following is an entry in ClinVar:

NM_000321.3(RB1):c.1421+5A>G

Gene: RB1 (RB transcriptional corepressor 1; plus strand). Cytogenetic location: 13q14.2.
Variant type: single nucleotide variant.
Coding change: c.1421+5A>G on transcript NM_000321.3 (MANE Select); 5 bases into the intron after coding-DNA position 1421, A replaced by G.
Molecular consequence: intron variant.
Genome position (GRCh38, 1-based): chr13:48,380,089, A>G. VCF-style: chr13-48380089-A-G. GRCh37 (hg19) VCF-style: chr13-48954225-A-G.
Identifiers: ClinVar variation 1772261 (VCV001772261.8), dbSNP rs1308009862, ClinGen allele CA698674997.

ClinVar aggregate classification (germline): Conflicting classifications of pathogenicity. Review status: criteria provided, conflicting classifications (1 of 4 stars). 3 submissions from 3 submitters: Uncertain significance (2); Likely benign (1). Last evaluated 2026-06-18.

Conditions:
Retinoblastoma (RB1). Also called: RETINOBLASTOMA, SOMATIC. Identifiers: Orphanet 790, MedGen C0035335, MeSH D012175, MONDO:0008380, OMIM 180200, HP:0009919. Disease mechanism: loss of function. Inheritance: Both sporadic and heritable forms are tested..
Hereditary cancer-predisposing syndrome. Also called: Neoplastic Syndromes, Hereditary; Tumor predisposition; Hereditary neoplastic syndrome; Hereditary Cancer Syndrome. Identifiers: Orphanet 140162, MedGen C0027672, MeSH D009386, MONDO:0015356.

Allele frequency attached by ClinVar (database versions not stated): gnomAD 0.00001; TOPMed below 0.00001.
gnomAD v4.1: 3 of 1,412,068 alleles (0.00021%); highest among the groups gnomAD compares: Non-Finnish European, 0.00029%; no homozygotes.

Submissions (3):

Myriad Genetics, Inc.
Classification: Likely benign for Retinoblastoma. Last evaluated: 2026-06-18. Review status: criteria provided, single submitter. Criteria: Myriad Autosomal Dominant, Autosomal Recessive and X-Linked Classification Criteria (2023). Collection method: clinical testing. Allele origin: unknown.
Comment: This variant is considered likely benign. This variant is intronic and is not expected to impact mRNA splicing.

Labcorp Genetics (formerly Invitae), Labcorp
Classification: Uncertain significance for Retinoblastoma. Last evaluated: 2024-09-14. Review status: criteria provided, single submitter. Criteria: Invitae Variant Classification Sherloc (09022015). Collection method: clinical testing. Allele origin: germline.
Comment: This sequence change falls in intron 15 of the RB1 gene. It does not directly change the encoded amino acid sequence of the RB1 protein. It affects a nucleotide within the consensus splice site. This variant is not present in population databases (gnomAD no frequency). This variant has not been reported in the literature in individuals affected with RB1-related conditions. ClinVar contains an entry for this variant (Variation ID: 1772261). Variants that disrupt the consensus splice site are a relatively common cause of aberrant splicing (PMID: 17576681, 9536098). Algorithms developed to predict the effect of sequence changes on RNA splicing suggest that this variant is not likely to affect RNA splicing. In summary, the available evidence is currently insufficient to determine the role of this variant in disease. Therefore, it has been classified as a Variant of Uncertain Significance.

Ambry Genetics
Classification: Uncertain significance for Hereditary cancer-predisposing syndrome. Last evaluated: 2023-09-21. Review status: criteria provided, single submitter. Criteria: Ambry Variant Classification Scheme 2023. Collection method: clinical testing. Allele origin: germline.
Comment: The c.1421+5A>G intronic variant results from an A to G substitution 5 nucleotides after coding exon 15 in the RB1 gene. This nucleotide position is poorly conserved in available vertebrate species. In silico splice site analysis predicts that this alteration will not have any significant effect on splicing. Since supporting evidence is limited at this time, the clinical significance of this alteration remains unclear.

Literature cited by the submitters: PubMed 17576681 (cited by Labcorp Genetics (formerly Invitae), Labcorp); PubMed 9536098 (cited by Labcorp Genetics (formerly Invitae), Labcorp).